The following is an entry in ClinVar:

NM_006612.6(KIF1C):c.2872C>T (p.Arg958Trp)

Gene: KIF1C (kinesin family member 1C; plus strand). Cytogenetic location: 17p13.2.
Variant type: single nucleotide variant.
Coding change: c.2872C>T on transcript NM_006612.6 (MANE Select); coding-DNA position 2872, C replaced by T.
Protein change: p.Arg958Trp; replaces arginine 958 with tryptophan.
Molecular consequence: missense variant.
Genome position (GRCh38, 1-based): chr17:5,023,711, C>T. VCF-style: chr17-5023711-C-T. GRCh37 (hg19) VCF-style: chr17-4927006-C-T.
Other names: short protein forms R958W.
Identifiers: ClinVar variation 1925470 (VCV001925470.5), dbSNP rs200230098, ClinGen allele CA287186889.

ClinVar aggregate classification (germline): Uncertain significance (1 of 4 stars; one submission).

Conditions:
Spastic ataxia 2. Also called: Ataxia, spastic, 2, autosomal recessive. Identifiers: Orphanet 397946, MedGen C1969796, MONDO:0012651, OMIM 611302.

Allele frequency attached by ClinVar (database versions not stated): gnomAD 0.00002; gnomAD exomes 0.00002; 1000 Genomes Project 30x 0.00016; 1000 Genomes Project 0.00020.
gnomAD v4.1: 33 of 1,564,296 alleles (0.0021%); highest among the groups gnomAD compares: Middle Eastern, 0.017%; no homozygotes.

Submission:

Labcorp Genetics (formerly Invitae), Labcorp
Classification: Uncertain significance for Spastic ataxia 2. Last evaluated: 2022-08-09. Review status: criteria provided, single submitter. Criteria: Invitae Variant Classification Sherloc (09022015). Collection method: clinical testing. Allele origin: germline.
Comment: This variant has not been reported in the literature in individuals affected with KIF1C-related conditions. This variant is present in population databases (rs200230098, gnomAD 0.01%). This sequence change replaces arginine, which is basic and polar, with tryptophan, which is neutral and slightly polar, at codon 958 of the KIF1C protein (p.Arg958Trp). In summary, the available evidence is currently insufficient to determine the role of this variant in disease. Therefore, it has been classified as a Variant of Uncertain Significance. Algorithms developed to predict the effect of missense changes on protein structure and function are either unavailable or do not agree on the potential impact of this missense change (SIFT: "Deleterious"; PolyPhen-2: "Possibly Damaging"; Align-GVGD: "Class C0").